The following is an entry in ClinVar:

ClinVar aggregate classification (germline): Uncertain significance (1 of 4 stars; one submission).

Conditions:
EGFR-related lung cancer (EGFR). Identifiers: MedGen CN130014.

Allele frequency attached by ClinVar (database versions not stated): gnomAD exomes below 0.00001.
gnomAD v4.1: 1 of 1,614,192 alleles (0.000062%); highest among the groups gnomAD compares: Non-Finnish European, 0.000085%; no homozygotes.

Submission:

Labcorp Genetics (formerly Invitae), Labcorp
Classification: Uncertain significance for EGFR-related lung cancer. Last evaluated: 2025-01-06. Review status: criteria provided, single submitter. Criteria: Invitae Variant Classification Sherloc (09022015). Collection method: clinical testing. Allele origin: germline.
Comment: This sequence change replaces phenylalanine, which is neutral and non-polar, with isoleucine, which is neutral and non-polar, at codon 180 of the EGFR protein (p.Phe180Ile). This variant is not present in population databases (gnomAD no frequency). This variant has not been reported in the literature in individuals affected with EGFR-related conditions. ClinVar contains an entry for this variant (Variation ID: 1471878). An algorithm developed to predict the effect of missense changes on protein structure and function (PolyPhen-2) suggests that this variant is likely to be tolerated. In summary, the available evidence is currently insufficient to determine the role of this variant in disease. Therefore, it has been classified as a Variant of Uncertain Significance.

NM_005228.5(EGFR):c.538T>A (p.Phe180Ile)

Gene: EGFR (epidermal growth factor receptor; plus strand). Cytogenetic location: 7p11.2.
Variant type: single nucleotide variant.
Coding change: c.538T>A on transcript NM_005228.5 (MANE Select); coding-DNA position 538, T replaced by A.
Protein change: p.Phe180Ile; replaces phenylalanine 180 with isoleucine.
Molecular consequence: missense variant. On other transcripts: intron variant (3).
Genome position (GRCh38, 1-based): chr7:55,146,719, T>A. VCF-style: chr7-55146719-T-A. GRCh37 (hg19) VCF-style: chr7-55214412-T-A.
Other names: c.538T>A, p.Phe180Ile (NM_001346898.2, NM_201282.2, NM_201283.2 and 1 more transcripts); c.379T>A, p.Phe127Ile (NM_001346900.2); c.424+3231T>A (NM_001346899.2, NM_001346897.2); c.89-9111T>A (NM_001346941.2); short protein forms F127I, F180I.
Identifiers: ClinVar variation 1471878 (VCV001471878.8), dbSNP rs2128929619, ClinGen allele CA367576713.
Genomic context (GRCh38, chr7:55,146,719, plus strand): 5'-GAGAGCATCCAGTGGCGGGACATAGTCAGCAGTGACTTTCTCAGCAACATGTCGATGGAC[T>A]TCCAGAACCACCTGGGCAGCTGTAAGTGTCGCATACACACTATCTCTGCCTCCAGCTCCT-3'
Protein context (NP_005219.2, residues 170-190): SDFLSNMSMD[Phe180Ile]QNHLGSCQKC